The following is an entry in ClinVar:

NM_001378454.1(ALMS1):c.8716C>T (p.Pro2906Ser)

Gene: ALMS1 (ALMS1 centrosome and basal body associated protein; plus strand). Cytogenetic location: 2p13.1.
Variant type: single nucleotide variant.
Coding change: c.8716C>T on transcript NM_001378454.1 (MANE Select); coding-DNA position 8716, C replaced by T.
Protein change: p.Pro2906Ser; replaces proline 2906 with serine.
Molecular consequence: missense variant.
Genome position (GRCh38, 1-based): chr2:73,490,675, C>T. VCF-style: chr2-73490675-C-T. GRCh37 (hg19) VCF-style: chr2-73717802-C-T.
Other names: c.8719C>T, p.Pro2907Ser (NM_015120.4); short protein forms P2907S, P2906S.
Identifiers: ClinVar variation 5001141 (VCV005001141.1).

ClinVar aggregate classification (germline): Uncertain significance (1 of 4 stars; one submission).

Conditions:
ALMS1-related disorder. Also called: ALMS1-related condition.

Submission:

PreventionGenetics, part of Exact Sciences
Classification: Uncertain significance for ALMS1-related condition. Last evaluated: 2025-10-08. Review status: criteria provided, single submitter. Criteria: ACMG Guidelines, 2015. Collection method: clinical testing. Allele origin: germline.
Comment: The ALMS1 c.8719C>T variant is predicted to result in the amino acid substitution p.Pro2907Ser. To our knowledge, this variant has not been reported in the literature or in a large population database (gnomAD), indicating this variant is rare. At this time, the clinical significance of this variant is uncertain due to the absence of conclusive functional and genetic evidence.